The following is an entry in ClinVar:

NM_001330078.2(NRXN1):c.1205A>G (p.Gln402Arg)

Gene: NRXN1 (neurexin 1; minus strand). Cytogenetic location: 2p16.3.
Variant type: single nucleotide variant.
Coding change: c.1205A>G on transcript NM_001330078.2 (MANE Select); coding-DNA position 1205, A replaced by G.
Protein change: p.Gln402Arg; replaces glutamine 402 with arginine.
Molecular consequence: missense variant.
Genome position (GRCh38, 1-based): chr2:50,620,137, T>C on the plus strand (A>G on the coding strand, the complement: NRXN1 is on the minus strand). VCF-style: chr2-50620137-T-C. GRCh37 (hg19) VCF-style: chr2-50847275-T-C.
Other names: c.1325A>G, p.Gln442Arg (NM_001135659.3); c.1181A>G, p.Gln394Arg (NM_001330077.2, NM_001330082.2, NM_001330095.2); c.1166A>G, p.Gln389Arg (NM_001330083.2, NM_001330084.2); c.1205A>G, p.Gln402Arg (NM_001330085.2, NM_001330086.2, NM_004801.6); c.1121A>G, p.Gln374Arg (NM_001330087.2, NM_001330096.2); c.1151A>G, p.Gln384Arg (NM_001330088.2); c.1202A>G, p.Gln401Arg (NM_001330093.2); c.1193A>G, p.Gln398Arg (NM_001330094.2); short protein forms Q374R, Q394R, Q401R, Q384R, Q389R, Q442R, Q398R, Q402R.
Identifiers: ClinVar variation 2769266 (VCV002769266.3), dbSNP rs2466814345, ClinGen allele CA346821836.

ClinVar aggregate classification (germline): Uncertain significance (1 of 4 stars; one submission).

Conditions:
Pitt-Hopkins-like syndrome 2 (PTHSL2). Identifiers: Orphanet 221150, Orphanet 600663, MedGen C3280479, MONDO:0013690, OMIM 614325.

Allele frequency attached by ClinVar (database versions not stated): gnomAD exomes below 0.00001.
gnomAD v4.1: 1 of 1,613,574 alleles (0.000062%); highest among the groups gnomAD compares: Non-Finnish European, 0.000085%; no homozygotes.

Submission:

Labcorp Genetics (formerly Invitae), Labcorp
Classification: Uncertain significance for Pitt-Hopkins-like syndrome 2. Last evaluated: 2023-12-09. Review status: criteria provided, single submitter. Criteria: Invitae Variant Classification Sherloc (09022015). Collection method: clinical testing. Allele origin: germline.
Comment: This sequence change replaces glutamine, which is neutral and polar, with arginine, which is basic and polar, at codon 442 of the NRXN1 protein (p.Gln442Arg). This variant is not present in population databases (gnomAD no frequency). This variant has not been reported in the literature in individuals affected with NRXN1-related conditions. An algorithm developed to predict the effect of missense changes on protein structure and function (PolyPhen-2) suggests that this variant is likely to be disruptive. In summary, the available evidence is currently insufficient to determine the role of this variant in disease. Therefore, it has been classified as a Variant of Uncertain Significance.